The following is an entry in ClinVar:

ClinVar aggregate classification (germline): Uncertain significance (1 of 4 stars; one submission).

Conditions:
Cardiovascular phenotype. Identifiers: MedGen CN230736.

Submission:

Ambry Genetics
Classification: Uncertain significance for Cardiovascular phenotype. Last evaluated: 2025-07-18. Review status: criteria provided, single submitter. Criteria: Ambry Variant Classification Scheme 2023. Collection method: clinical testing. Allele origin: germline.
Comment: The p.P47R variant (also known as c.140C>G), located in coding exon 1 of the CBL gene, results from a C to G substitution at nucleotide position 140. The proline at codon 47 is replaced by arginine, an amino acid with dissimilar properties. This amino acid position is conserved. In addition, this alteration is predicted to be tolerated by in silico analysis. Based on the available evidence, the clinical significance of this variant remains unclear.

NM_005188.4(CBL):c.140C>G (p.Pro47Arg)

Genes: CBL (Cbl proto-oncogene; plus strand), LOC130006895 (ATAC-STARR-seq lymphoblastoid silent region 3975; plus strand). Cytogenetic location: 11q23.3.
Variant type: single nucleotide variant.
Coding change: c.140C>G on transcript NM_005188.4 (MANE Select); coding-DNA position 140, C replaced by G.
Protein change: p.Pro47Arg; replaces proline 47 with arginine.
Molecular consequence: missense variant.
Genome position (GRCh38, 1-based): chr11:119,206,557, C>G. VCF-style: chr11-119206557-C-G. GRCh37 (hg19) VCF-style: chr11-119077267-C-G.
Other names: short protein forms P47R.
Identifiers: ClinVar variation 4219870 (VCV004219870.1).